The following is an entry in ClinVar:

NM_053025.4(MYLK):c.822G>T (p.Glu274Asp)

Gene: MYLK (myosin light chain kinase; minus strand). Cytogenetic location: 3q21.1.
Variant type: single nucleotide variant.
Coding change: c.822G>T on transcript NM_053025.4 (MANE Select); coding-DNA position 822, G replaced by T.
Protein change: p.Glu274Asp; replaces glutamic acid 274 with aspartic acid.
Molecular consequence: missense variant.
Genome position (GRCh38, 1-based): chr3:123,734,174, C>A on the plus strand (G>T on the coding strand, the complement: MYLK is on the minus strand). VCF-style: chr3-123734174-C-A. GRCh37 (hg19) VCF-style: chr3-123453021-C-A.
Other names: c.294G>T, p.Glu98Asp (NM_001321309.2); c.822G>T, p.Glu274Asp (NM_053026.4, NM_053027.4, NM_053028.4); short protein forms E274D, E98D.
Identifiers: ClinVar variation 2100432 (VCV002100432.4), dbSNP rs2474568582, ClinGen allele CA354240074.

ClinVar aggregate classification (germline): Uncertain significance (1 of 4 stars; one submission).

Conditions:
Aortic aneurysm, familial thoracic 7 (AAT7). Also called: AORTIC DISSECTION, FAMILIAL, WITH OR WITHOUT AORTIC ANEURYSM. Identifiers: MedGen C3151077, MONDO:0013418, OMIM 613780.

gnomAD v4.1: 1 of 1,503,064 alleles (0.000067%); highest among the groups gnomAD compares: Non-Finnish European, 0.000089%; no homozygotes.

Submission:

Labcorp Genetics (formerly Invitae), Labcorp
Classification: Uncertain significance for Aortic aneurysm, familial thoracic 7. Last evaluated: 2022-02-20. Review status: criteria provided, single submitter. Criteria: Invitae Variant Classification Sherloc (09022015). Collection method: clinical testing. Allele origin: germline.
Comment: Advanced modeling of protein sequence and biophysical properties (such as structural, functional, and spatial information, amino acid conservation, physicochemical variation, residue mobility, and thermodynamic stability) performed at Invitae indicates that this missense variant is not expected to disrupt MYLK protein function. This variant has not been reported in the literature in individuals affected with MYLK-related conditions. This variant is not present in population databases (gnomAD no frequency). This sequence change replaces glutamic acid, which is acidic and polar, with aspartic acid, which is acidic and polar, at codon 274 of the MYLK protein (p.Glu274Asp). In summary, the available evidence is currently insufficient to determine the role of this variant in disease. Therefore, it has been classified as a Variant of Uncertain Significance.